The following is an entry in ClinVar:

ClinVar aggregate classification (germline): Uncertain significance (1 of 4 stars; one submission).

Conditions:
Hypertrophic cardiomyopathy 14. Identifiers: MedGen C2750467, MONDO:0013197, OMIM 613251.

gnomAD v4.1: 1 of 1,613,370 alleles (0.000062%); highest among the groups gnomAD compares: Non-Finnish European, 0.000085%; no homozygotes.

Submission:

Labcorp Genetics (formerly Invitae), Labcorp
Classification: Uncertain significance for Hypertrophic cardiomyopathy 14. Last evaluated: 2019-12-06. Review status: criteria provided, single submitter. Criteria: Invitae Variant Classification Sherloc (09022015). Collection method: clinical testing. Allele origin: germline.
Comment: In summary, the available evidence is currently insufficient to determine the role of this variant in disease. Therefore, it has been classified as a Variant of Uncertain Significance. Algorithms developed to predict the effect of missense changes on protein structure and function are either unavailable or do not agree on the potential impact of this missense change (SIFT: "Deleterious"; PolyPhen-2: "Benign"; Align-GVGD: "Class C0"). This variant has not been reported in the literature in individuals with MYH6-related conditions. This variant is not present in population databases (ExAC no frequency). This sequence change replaces isoleucine with phenylalanine at codon 715 of the MYH6 protein (p.Ile715Phe). The isoleucine residue is weakly conserved and there is a small physicochemical difference between isoleucine and phenylalanine.

NM_002471.4(MYH6):c.2143A>T (p.Ile715Phe)

Gene: MYH6 (myosin heavy chain 6; minus strand). Cytogenetic location: 14q11.2.
Variant type: single nucleotide variant.
Coding change: c.2143A>T on transcript NM_002471.4 (MANE Select); coding-DNA position 2143, A replaced by T.
Protein change: p.Ile715Phe; replaces isoleucine 715 with phenylalanine.
Molecular consequence: missense variant.
Genome position (GRCh38, 1-based): chr14:23,396,988, T>A on the plus strand (A>T on the coding strand, the complement: MYH6 is on the minus strand). VCF-style: chr14-23396988-T-A. GRCh37 (hg19) VCF-style: chr14-23866197-T-A.
Other names: short protein forms I715F.
Identifiers: ClinVar variation 855120 (VCV000855120.9), dbSNP rs772374378, ClinGen allele CA389017626.
Genomic context (GRCh38, chr14:23,396,988, plus strand): 5'-CTGTTCTATGAGCTCTGGGGCACCCTCATACCCACCTCTGCCGGAAGTCCCCGTAGAGGA[T>A]GCGGTTGGGGAAGCCCTTCCTGCAGATGCGGATGCCCTCCAGCACGCCATTGCAGCGCAG-3'
Protein context (NP_002462.2, residues 705-725): RICRKGFPNR[Ile715Phe]LYGDFRQRYR